The following is an entry in ClinVar:

NM_001394062.1(MACF1):c.4188G>C (p.Gln1396His)

Gene: MACF1 (microtubule actin crosslinking factor 1; plus strand). Cytogenetic location: 1p34.3.
Variant type: single nucleotide variant.
Coding change: c.4188G>C on transcript NM_001394062.1 (MANE Select); coding-DNA position 4188, G replaced by C.
Protein change: p.Gln1396His; replaces glutamine 1396 with histidine.
Molecular consequence: missense variant.
Genome position (GRCh38, 1-based): chr1:39,322,960, G>C. VCF-style: chr1-39322960-G-C. GRCh37 (hg19) VCF-style: chr1-39788632-G-C.
Other names: c.4203G>C, p.Gln1401His (NM_012090.5); short protein forms Q1396H, Q1401H.
Identifiers: ClinVar variation 5008730 (VCV005008730.1).

ClinVar aggregate classification (germline): Uncertain significance (1 of 4 stars; one submission).

Submission:

GeneDx
Classification: Uncertain significance. Last evaluated: 2026-03-11. Review status: criteria provided, single submitter. Criteria: GeneDx Variant Classification Process June 2021. Collection method: clinical testing. Allele origin: germline.
Comment: Not observed at significant frequency in large population cohorts (gnomAD); In silico analysis supports that this missense variant has a deleterious effect on protein structure/function; Has not been previously published as pathogenic or benign to our knowledge